The following is an entry in ClinVar:

NM_000038.6(APC):c.7938A>C (p.Gln2646His)

Gene: APC (APC regulator of Wnt signaling pathway; plus strand). Cytogenetic location: 5q22.2.
Variant type: single nucleotide variant.
Coding change: c.7938A>C on transcript NM_000038.6 (MANE Select); coding-DNA position 7938, A replaced by C.
Protein change: p.Gln2646His; replaces glutamine 2646 with histidine.
Molecular consequence: missense variant.
Genome position (GRCh38, 1-based): chr5:112,843,532, A>C. VCF-style: chr5-112843532-A-C. GRCh37 (hg19) VCF-style: chr5-112179229-A-C.
Other names: c.7968A>C, p.Gln2656His (NM_001354897.2); c.7863A>C, p.Gln2621His (NM_001354898.2); c.7854A>C, p.Gln2618His (NM_001354899.2); c.7815A>C, p.Gln2605His (NM_001354900.2); c.7761A>C, p.Gln2587His (NM_001354901.2); c.7665A>C, p.Gln2555His (NM_001354902.2); c.7635A>C, p.Gln2545His (NM_001354903.2); c.7560A>C, p.Gln2520His (NM_001354904.2); and 5 more; short protein forms Q2363H, Q2555H, Q2628H, Q2664H, Q2486H, Q2545H, Q2587H, Q2656H.
Identifiers: ClinVar variation 827345 (VCV000827345.18), dbSNP rs1580688401, ClinGen allele CA16038569.

ClinVar aggregate classification (germline): Uncertain significance. Review status: criteria provided, multiple submitters, no conflicts (2 of 4 stars). 4 submissions from 4 submitters: Uncertain significance (4). Last evaluated 2025-05-14.

Conditions:
Classic or attenuated familial adenomatous polyposis. Identifiers: MedGen CN372698, MONDO:0021057.
Hereditary cancer-predisposing syndrome. Also called: Neoplastic Syndromes, Hereditary; Tumor predisposition; Hereditary neoplastic syndrome; Hereditary Cancer Syndrome. Identifiers: Orphanet 140162, MedGen C0027672, MeSH D009386, MONDO:0015356.
Familial adenomatous polyposis 1 (FAP1). Also called: POLYPOSIS, ADENOMATOUS INTESTINAL; FAMILIAL ADENOMATOUS POLYPOSIS 1, ATTENUATED. Identifiers: MedGen C2713442, MONDO:0021056, OMIM 175100. Disease mechanism: loss of function.

Allele frequency attached by ClinVar (database versions not stated): TOPMed below 0.00001; gnomAD 0.00001.
gnomAD v4.1: 4 of 1,613,542 alleles (0.00025%); highest among the groups gnomAD compares: Non-Finnish European, 0.00034%; no homozygotes.

Submissions (4):

Labcorp Genetics (formerly Invitae), Labcorp
Classification: Uncertain significance for Familial adenomatous polyposis 1. Last evaluated: 2025-05-14. Review status: criteria provided, single submitter. Criteria: Invitae Variant Classification Sherloc (09022015). Collection method: clinical testing. Allele origin: germline.
Comment: This sequence change replaces glutamine, which is neutral and polar, with histidine, which is basic and polar, at codon 2646 of the APC protein (p.Gln2646His). This variant is not present in population databases (gnomAD no frequency). This variant has not been reported in the literature in individuals affected with APC-related conditions. ClinVar contains an entry for this variant (Variation ID: 827345). Invitae Evidence Modeling of protein sequence and biophysical properties (such as structural, functional, and spatial information, amino acid conservation, physicochemical variation, residue mobility, and thermodynamic stability) indicates that this missense variant is not expected to disrupt APC protein function with a negative predictive value of 95%. In summary, the available evidence is currently insufficient to determine the role of this variant in disease. Therefore, it has been classified as a Variant of Uncertain Significance.

Ambry Genetics
Classification: Uncertain significance for Hereditary cancer-predisposing syndrome. Last evaluated: 2024-12-31. Review status: criteria provided, single submitter. Criteria: Ambry Variant Classification Scheme 2023. Collection method: clinical testing. Allele origin: germline.
Comment: The p.Q2646H variant (also known as c.7938A>C), located in coding exon 15 of the APC gene, results from an A to C substitution at nucleotide position 7938. The glutamine at codon 2646 is replaced by histidine, an amino acid with highly similar properties. Missense alterations in APC are not a common cause of disease (Spier I et al. Genet Med. 2024 Feb;26(2):100992). This amino acid position is well conserved in available vertebrate species. In addition, in silico predictors for this gene do not accurately predict pathogenicity. Based on the available evidence, the clinical significance of this variant remains unclear.

All of Us Research Program, National Institutes of Health
Classification: Uncertain significance for Classic or attenuated familial adenomatous polyposis. Last evaluated: 2024-03-05. Review status: criteria provided, single submitter. Criteria: ACMG Guidelines, 2015. Collection method: clinical testing. Allele origin: germline. Inheritance: Autosomal dominant inheritance. Observed: 2 variant alleles, 2 heterozygotes.
Comment: This study involves interpretation of variants in research participants for the purpose of population health screening. Participant phenotype was not available at the time of variant classification. Additional details can be found in publication PMID: 35346344, PMCID: PMC8962531

GeneDx
Classification: Uncertain significance. Last evaluated: 2023-08-08. Review status: criteria provided, single submitter. Criteria: GeneDx Variant Classification Process June 2021. Collection method: clinical testing. Allele origin: germline. Affected: yes.
Comment: Not observed at significant frequency in large population cohorts (gnomAD); In silico analysis supports that this missense variant does not alter protein structure/function; Has not been previously published as pathogenic or benign to our knowledge; This variant is associated with the following publications: (PMID: 18199528)